The following is an entry in ClinVar:

NM_000179.3(MSH6):c.3200G>T (p.Ser1067Ile)

Gene: MSH6 (mutS homolog 6; plus strand). Cytogenetic location: 2p16.3.
Variant type: single nucleotide variant.
Coding change: c.3200G>T on transcript NM_000179.3 (MANE Select); coding-DNA position 3200, G replaced by T.
Protein change: p.Ser1067Ile; replaces serine 1067 with isoleucine.
Molecular consequence: missense variant.
Genome position (GRCh38, 1-based): chr2:47,803,447, G>T. VCF-style: chr2-47803447-G-T. GRCh37 (hg19) VCF-style: chr2-48030586-G-T.
Other names: c.2810G>T, p.Ser937Ile (NM_001281492.2); c.2294G>T, p.Ser765Ile (NM_001281493.2, NM_001281494.2); short protein forms S1067I, S765I, S937I.
Identifiers: ClinVar variation 489998 (VCV000489998.11), dbSNP rs730881803, ClinGen allele CA346757872.

ClinVar aggregate classification (germline): Uncertain significance. Review status: criteria provided, multiple submitters, no conflicts (2 of 4 stars). 3 submissions from 3 submitters: Uncertain significance (3). Last evaluated 2024-12-31.

Conditions:
Hereditary cancer-predisposing syndrome. Also called: Hereditary Cancer Syndrome; Neoplastic Syndromes, Hereditary; Tumor predisposition; Hereditary neoplastic syndrome. Identifiers: Orphanet 140162, MedGen C0027672, MeSH D009386, MONDO:0015356.
Hereditary nonpolyposis colorectal neoplasms. Identifiers: MedGen C0009405, MeSH D003123.

gnomAD v4.1: 1 of 1,614,134 alleles (0.000062%); highest among the groups gnomAD compares: Non-Finnish European, 0.000085%; no homozygotes.

Submissions (3):

Ambry Genetics
Classification: Uncertain significance for Hereditary cancer-predisposing syndrome. Last evaluated: 2024-12-31. Review status: criteria provided, single submitter. Criteria: Ambry Variant Classification Scheme 2023. Collection method: clinical testing. Allele origin: germline.
Comment: The p.S1067I variant (also known as c.3200G>T), located in coding exon 5 of the MSH6 gene, results from a G to T substitution at nucleotide position 3200. The serine at codon 1067 is replaced by isoleucine, an amino acid with dissimilar properties. This amino acid position is highly conserved in available vertebrate species. In addition, this alteration is predicted to be deleterious by in silico analysis. Since supporting evidence is limited at this time, the clinical significance of this alteration remains unclear.

Labcorp Genetics (formerly Invitae), Labcorp
Classification: Uncertain significance for Hereditary nonpolyposis colorectal neoplasms. Last evaluated: 2021-08-28. Review status: criteria provided, single submitter. Criteria: Invitae Variant Classification Sherloc (09022015). Collection method: clinical testing. Allele origin: germline.
Comment: This sequence change replaces serine with isoleucine at codon 1067 of the MSH6 protein (p.Ser1067Ile). The serine residue is highly conserved and there is a large physicochemical difference between serine and isoleucine. This variant is not present in population databases (ExAC no frequency). This variant has not been reported in the literature in individuals affected with MSH6-related conditions. ClinVar contains an entry for this variant (Variation ID: 489998). Algorithms developed to predict the effect of missense changes on protein structure and function (SIFT, PolyPhen-2, Align-GVGD) all suggest that this variant is likely to be disruptive. In summary, the available evidence is currently insufficient to determine the role of this variant in disease. Therefore, it has been classified as a Variant of Uncertain Significance.

Color Diagnostics, LLC DBA Color Health
Classification: Uncertain significance for Hereditary cancer-predisposing syndrome. Last evaluated: 2019-03-14. Review status: criteria provided, single submitter. Criteria: ACMG Guidelines, 2015. Collection method: clinical testing. Allele origin: germline.